The following is an entry in ClinVar:

NM_000169.3(GLA):c.656T>C (p.Ile219Thr)

Genes: GLA (galactosidase alpha; minus strand), RPL36A-HNRNPH2 (RPL36A-HNRNPH2 readthrough; plus strand). Cytogenetic location: Xq22.1.
Variant type: single nucleotide variant.
Coding change: c.656T>C on transcript NM_000169.3 (MANE Select); coding-DNA position 656, T replaced by C.
Protein change: p.Ile219Thr; replaces isoleucine 219 with threonine.
Molecular consequence: missense variant. On other transcripts: non-coding transcript variant (3), intron variant (2).
Genome position (GRCh38, 1-based): chrX:101,398,930, A>G on the plus strand (T>C on the coding strand, the complement: GLA is on the minus strand). VCF-style: chrX-101398930-A-G. GRCh37 (hg19) VCF-style: chrX-100653918-A-G.
Other names: c.779T>C, p.Ile260Thr (NM_001406747.1); c.656T>C, p.Ile219Thr (NM_001406748.1); c.300+3473A>G (NM_001199973.2); c.177+7108A>G (NM_001199974.2); short protein forms I219T, I260T.
Identifiers: ClinVar variation 1327541 (VCV001327541.3), dbSNP rs2147473404, ClinGen allele CA413925068.

ClinVar aggregate classification (germline): Likely pathogenic. Review status: criteria provided, multiple submitters, no conflicts (2 of 4 stars). 2 submissions from 2 submitters: Likely pathogenic (2). Last evaluated 2026-09-08.

Conditions:
Fabry disease. Also called: Fabry's disease; GLA DEFICIENCY; HEREDITARY DYSTOPIC LIPIDOSIS; Angiokeratoma corporis diffusum; ALPHA-GALACTOSIDASE A DEFICIENCY; ANDERSON-FABRY DISEASE. Identifiers: Orphanet 324, MedGen C0002986, MONDO:0010526, OMIM 301500, HP:0001071. Disease mechanism: Fabry disease is due to inactivating mutations in the X-linked GLA gene resulting in deficiency of the enzyme Alpha Galactosidase-A., loss of function.

Submissions (2):

Genomenon, Inc
Classification: Likely pathogenic for Fabry disease. Last evaluated: 2026-09-08. Review status: criteria provided, single submitter. Criteria: Genomenon Sequence Variant Interpretation Standards - Updated. Collection method: curation. Allele origin: germline. Affected: yes.
Comment: GLA p.Ile219Thr (c.656T>C) is a missense variant that changes the amino acid at codon 219 from Isoleucine to Threonine. This variant has been observed in at least one proband with clinical features consistent with Fabry disease (PMID:37388940;19621417). The variant was found to segregate with disease in at least one affected family (PMID:19621417). Functional or patient cell studies have been reported (PMID:37388940;32023956;19621417;20864368;23935525;27657681;22063097). It is absent or not present at a significant frequency in gnomAD. In silico models predict that this variant is possibly or probably damaging. In conclusion, we classify GLA p.Ile219Thr (c.656T>C) as a likely pathogenic variant.

3billion
Classification: Likely pathogenic for Fabry disease. Last evaluated: 2021-12-09. Review status: criteria provided, single submitter. Criteria: ACMG Guidelines, 2015. Collection method: clinical testing. Allele origin: germline. Affected: yes. Observed: 1 heterozygote.
Comment: This variant has been reported to be associated with Fabry disease (PMID: 19621417). It has been reported to co-segregate with the disease in at least 3 similarly affected relatives/individuals in the same family or similarly affected unrelated families (PMID:19621417, 3billion dataset). Different pathogenic amino acid change has been reported with supporting evidence at the same codon (ClinVar ID: VCV000217393, PMID:26415523). It is absent from the gnomAD v2.1.1 dataset. In silico prediction tools and conservation analysis predicted that this variant was probably damaging to the protein structure/function (REVEL: 0.889>=0.6, 3CNET: 0.97>=0.75). But it had significant residual activities in the COS-1 cells (46% of mean wild-type expressed activity). Therefore, this variant was classified as likley pathogenic according to the ACMG guideline

Literature cited by the submitters: PubMed 37388940 (cited by Genomenon, Inc); PubMed 19621417 (cited by Genomenon, Inc and 3billion); PubMed 32023956 (cited by Genomenon, Inc); PubMed 20864368 (cited by Genomenon, Inc); PubMed 23935525 (cited by Genomenon, Inc); PubMed 27657681 (cited by Genomenon, Inc); PubMed 22063097 (cited by Genomenon, Inc); PubMed 26415523 (cited by 3billion).